The following is an entry in ClinVar:

NM_001080488.2(ONECUT3):c.234G>T (p.Ala78=)

Gene: ONECUT3 (one cut homeobox 3; plus strand). Cytogenetic location: 19p13.3.
Variant type: single nucleotide variant.
Coding change: c.234G>T on transcript NM_001080488.2 (MANE Select); coding-DNA position 234, G replaced by T.
Protein change: p.Ala78=; no amino-acid change (alanine 78 retained).
Molecular consequence: synonymous variant.
Genome position (GRCh38, 1-based): chr19:1,753,896, G>T. VCF-style: chr19-1753896-G-T. GRCh37 (hg19) VCF-style: chr19-1753895-G-T.
Identifiers: ClinVar variation 4873845 (VCV004873845.2).

ClinVar aggregate classification (germline): Likely benign (1 of 4 stars; one submission).

Submission:

CeGaT Center for Human Genetics Tuebingen
Classification: Likely benign. Last evaluated: 2026-05-01. Review status: criteria provided, single submitter. Criteria: CeGaT Center For Human Genetics Tuebingen Variant Classification Criteria Version 2. Collection method: clinical testing. Allele origin: germline. Affected: yes. Observed: 1 variant allele.
Comment: ONECUT3: BP4, BP7